The following is an entry in ClinVar:

ClinVar aggregate classification (germline): Uncertain significance. Review status: criteria provided, single submitter (1 of 4 stars). 2 submissions from 2 submitters: Uncertain significance (1). 1 of the submissions does not count toward it. Last evaluated 2024-12-11.

Conditions:
CFTR-related disorder (CFTR-RD). Also called: CFTR-related condition; CFTR-related disorders. Identifiers: MedGen C5924204, MONDO:7770004.
Cystic fibrosis (CF). Also called: MUCOVISCIDOSIS. Identifiers: Orphanet 586, MedGen C0010674, MONDO:0009061, OMIM 219700. Disease mechanism: loss of function.

Submissions (2):

Ambry Genetics
Classification: Uncertain significance for Cystic fibrosis. Last evaluated: 2024-12-11. Review status: criteria provided, single submitter. Criteria: Ambry Variant Classification Scheme 2023. Collection method: clinical testing. Allele origin: germline.
Comment: The p.A326V variant (also known as c.977C>T), located in coding exon 8 of the CFTR gene, results from a C to T substitution at nucleotide position 977. The alanine at codon 326 is replaced by valine, an amino acid with similar properties. This amino acid position is well conserved in available vertebrate species. In addition, the in silico prediction for this alteration is inconclusive. Based on the available evidence, the clinical significance of this variant remains unclear.

Natera, Inc.
Classification: Uncertain significance for CFTR-related disorders. Last evaluated: 2020-01-07. Review status: no assertion criteria provided. Collection method: clinical testing. Allele origin: germline. Not counted in ClinVar's aggregate classification.

NM_000492.4(CFTR):c.977C>T (p.Ala326Val)

Gene: CFTR (CF transmembrane conductance regulator; plus strand). Cytogenetic location: 7q31.2.
Variant type: single nucleotide variant.
Coding change: c.977C>T on transcript NM_000492.4 (MANE Select); coding-DNA position 977, C replaced by T.
Protein change: p.Ala326Val; replaces alanine 326 with valine.
Molecular consequence: missense variant.
Genome position (GRCh38, 1-based): chr7:117,540,207, C>T. VCF-style: chr7-117540207-C-T. GRCh37 (hg19) VCF-style: chr7-117180261-C-T.
Other names: short protein forms A326V.
Identifiers: ClinVar variation 823472 (VCV000823472.6), dbSNP rs1584789296, ClinGen allele CA368978601.